The following is an entry in ClinVar:

ClinVar aggregate classification (germline): Benign/Likely benign. Review status: criteria provided, multiple submitters, no conflicts (2 of 4 stars). 5 submissions from 5 submitters: Benign (1); Likely benign (3). 1 of the submissions does not count toward it. Last evaluated 2025-12-06.

Conditions:
VPS13D-related disorder. Also called: VPS13D-related condition.

Allele frequency attached by ClinVar (database versions not stated): gnomAD exomes 0.00011; ExAC 0.00035; ESP Exome Variant Server 0.00108; gnomAD 0.00112; TOPMed 0.00120; 1000 Genomes Project 0.00180; 1000 Genomes Project 30x 0.00234.
gnomAD v4.1: 347 of 1,613,578 alleles (0.022%); highest among the groups gnomAD compares: African/African-American, 0.4%; 1 homozygote.

Submissions (5):

Labcorp Genetics (formerly Invitae), Labcorp
Classification: Benign. Last evaluated: 2025-12-06. Review status: criteria provided, single submitter. Criteria: Invitae Variant Classification Sherloc (09022015). Collection method: clinical testing. Allele origin: germline.

CeGaT Center for Human Genetics Tuebingen
Classification: Likely benign. Last evaluated: 2025-09-01. Review status: criteria provided, single submitter. Criteria: CeGaT Center For Human Genetics Tuebingen Variant Classification Criteria Version 2. Collection method: clinical testing. Allele origin: germline. Affected: yes. Observed: 1 variant allele.
Comment: VPS13D: BP4, BP7

Mayo Clinic Laboratories, Mayo Clinic
Classification: Likely benign. Last evaluated: 2025-01-03. Review status: criteria provided, single submitter. Criteria: ACMG Guidelines, 2015. Collection method: clinical testing. Allele origin: germline. Observed: 2 variant alleles.
Comment: BS1, BP4, BP7

Blueprint Genetics
Classification: Likely benign. Last evaluated: 2024-09-11. Review status: criteria provided, single submitter. Criteria: ACMG Guidelines, 2015. Collection method: clinical testing. Allele origin: germline.

PreventionGenetics, part of Exact Sciences
Classification: Likely benign for VPS13D-related condition. Last evaluated: 2019-05-24. Review status: no assertion criteria provided. Collection method: clinical testing. Allele origin: germline. Not counted in ClinVar's aggregate classification.
Comment: This variant is classified as likely benign based on ACMG/AMP sequence variant interpretation guidelines (Richards et al. 2015 PMID: 25741868, with internal and published modifications).

NM_015378.4(VPS13D):c.9762C>T (p.Leu3254=)

Gene: VPS13D (vacuolar protein sorting 13 homolog D; plus strand). Cytogenetic location: 1p36.22.
Variant type: single nucleotide variant.
Coding change: c.9762C>T on transcript NM_015378.4 (MANE Select); coding-DNA position 9762, C replaced by T.
Protein change: p.Leu3254=; no amino-acid change (leucine 3254 retained).
Molecular consequence: synonymous variant.
Genome position (GRCh38, 1-based): chr1:12,355,981, C>T. VCF-style: chr1-12355981-C-T. GRCh37 (hg19) VCF-style: chr1-12416038-C-T.
Other names: p.Leu3254=; c.9687C>T, p.Leu3229= (NM_018156.4); c.9762C>T (NM_015378.3).
Identifiers: ClinVar variation 2056084 (VCV002056084.15), dbSNP rs116215198, ClinGen allele CA603499.